The following is an entry in ClinVar:

ClinVar aggregate classification (germline): Uncertain significance (1 of 4 stars; one submission).

Submission:

GeneDx
Classification: Uncertain significance. Last evaluated: 2023-10-18. Review status: criteria provided, single submitter. Criteria: GeneDx Variant Classification Process June 2021. Collection method: clinical testing. Allele origin: germline. Affected: yes.
Comment: Not observed at significant frequency in large population cohorts (gnomAD); In silico analysis supports that this missense variant does not alter protein structure/function; Has not been previously published as pathogenic or benign to our knowledge

NM_153252.5(BRWD3):c.2050A>G (p.Arg684Gly)

Gene: BRWD3 (bromodomain and WD repeat domain containing 3; minus strand). Cytogenetic location: Xq21.1.
Variant type: single nucleotide variant.
Coding change: c.2050A>G on transcript NM_153252.5 (MANE Select); coding-DNA position 2050, A replaced by G.
Protein change: p.Arg684Gly; replaces arginine 684 with glycine.
Molecular consequence: missense variant.
Genome position (GRCh38, 1-based): chrX:80,717,754, T>C on the plus strand (A>G on the coding strand, the complement: BRWD3 is on the minus strand). VCF-style: chrX-80717754-T-C. GRCh37 (hg19) VCF-style: chrX-79973253-T-C.
Other names: short protein forms R684G.
Identifiers: ClinVar variation 3366163 (VCV003366163.1).